The following is an entry in ClinVar:

ClinVar aggregate classification (germline): Uncertain significance. Review status: criteria provided, multiple submitters, no conflicts (2 of 4 stars). 2 submissions from 2 submitters: Uncertain significance (2). Last evaluated 2025-07-31.

Conditions:
Hereditary cancer-predisposing syndrome. Also called: Neoplastic Syndromes, Hereditary; Tumor predisposition; Hereditary Cancer Syndrome; Hereditary neoplastic syndrome. Identifiers: Orphanet 140162, MedGen C0027672, MeSH D009386, MONDO:0015356.

Allele frequency attached by ClinVar (database versions not stated): gnomAD exomes below 0.00001; ExAC 0.00001.
gnomAD v4.1: 1 of 1,614,108 alleles (0.000062%); highest among the groups gnomAD compares: Non-Finnish European, 0.000085%; no homozygotes.

Submissions (2):

Labcorp Genetics (formerly Invitae), Labcorp
Classification: Uncertain significance. Last evaluated: 2025-07-31. Review status: criteria provided, single submitter. Criteria: Invitae Variant Classification Sherloc (09022015). Collection method: clinical testing. Allele origin: germline.
Comment: This sequence change replaces aspartic acid, which is acidic and polar, with asparagine, which is neutral and polar, at codon 101 of the SMARCB1 protein (p.Asp101Asn). This variant is present in population databases (rs774488493, gnomAD 0.0009%). This variant has not been reported in the literature in individuals affected with SMARCB1-related conditions. ClinVar contains an entry for this variant (Variation ID: 653538). Invitae Evidence Modeling of protein sequence and biophysical properties (such as structural, functional, and spatial information, amino acid conservation, physicochemical variation, residue mobility, and thermodynamic stability) indicates that this missense variant is not expected to disrupt SMARCB1 protein function with a negative predictive value of 80%. In summary, the available evidence is currently insufficient to determine the role of this variant in disease. Therefore, it has been classified as a Variant of Uncertain Significance.

Ambry Genetics
Classification: Uncertain significance for Hereditary cancer-predisposing syndrome. Last evaluated: 2023-07-14. Review status: criteria provided, single submitter. Criteria: Ambry Variant Classification Scheme 2023. Collection method: clinical testing. Allele origin: germline.
Comment: The p.D101N variant (also known as c.301G>A), located in coding exon 3 of the SMARCB1 gene, results from a G to A substitution at nucleotide position 301. The aspartic acid at codon 101 is replaced by asparagine, an amino acid with highly similar properties. This amino acid position is well conserved in available vertebrate species. In addition, this alteration is predicted to be tolerated by in silico analysis. Missense and in-frame variants in SMARCB1 are known to cause neurodevelopmental disorders; however, such associations with rhabdoid tumor predisposition syndrome are exceedingly rare (Kosho T et al. Am J Med Genet C Semin Med Genet. 2014 Sep;166C(3):262-75; Eaton KW et al. Pediatr Blood Cancer. 2011 Jan;56(1):7-15). Based on the supporting evidence, the association of this alteration with Coffin-Siris syndrome is unknown; however, the association of this alteration with SMARCB1-related tumor predisposition syndrome is unlikely.

NM_003073.5(SMARCB1):c.301G>A (p.Asp101Asn)

Gene: SMARCB1 (SWI/SNF related BAF chromatin remodeling complex subunit B1; plus strand). Cytogenetic location: 22q11.23.
Variant type: single nucleotide variant.
Coding change: c.301G>A on transcript NM_003073.5 (MANE Select); coding-DNA position 301, G replaced by A.
Protein change: p.Asp101Asn; replaces aspartic acid 101 with asparagine.
Molecular consequence: missense variant.
Genome position (GRCh38, 1-based): chr22:23,793,627, G>A. VCF-style: chr22-23793627-G-A. GRCh37 (hg19) VCF-style: chr22-24135814-G-A.
Other names: c.301G>A (LRG_520t1); c.274G>A, p.Asp92Asn (NM_001007468.3, NM_001317946.2); c.301G>A, p.Asp101Asn (NM_001362877.2); short protein forms D101N, D92N.
Identifiers: ClinVar variation 653538 (VCV000653538.10), dbSNP rs774488493, ClinGen allele CA10145888.